The following is an entry in ClinVar:

ClinVar aggregate classification (germline): Likely benign. Review status: criteria provided, multiple submitters, no conflicts (2 of 4 stars). 3 submissions from 3 submitters: Likely benign (2). 1 of the submissions does not count toward it. Last evaluated 2026-01-21.

Conditions:
PCNT-related disorder. Also called: PCNT-related condition.

Allele frequency attached by ClinVar (database versions not stated): gnomAD 0.00003; gnomAD exomes 0.00003; TOPMed 0.00005; ExAC 0.00006; ESP Exome Variant Server 0.00015.
gnomAD v4.1: 52 of 1,613,930 alleles (0.0032%); highest among the groups gnomAD compares: Middle Eastern, 0.12%; no homozygotes.

Submissions (3):

Labcorp Genetics (formerly Invitae), Labcorp
Classification: Likely benign. Last evaluated: 2026-01-21. Review status: criteria provided, single submitter. Criteria: Invitae Variant Classification Sherloc (09022015). Collection method: clinical testing. Allele origin: germline.

Blueprint Genetics
Classification: Likely benign. Last evaluated: 2024-06-26. Review status: criteria provided, single submitter. Criteria: ACMG Guidelines, 2015. Collection method: clinical testing. Allele origin: germline.

PreventionGenetics, part of Exact Sciences
Classification: Likely benign for PCNT-related condition. Last evaluated: 2021-09-20. Review status: no assertion criteria provided. Collection method: clinical testing. Allele origin: germline. Not counted in ClinVar's aggregate classification.
Comment: This variant is classified as likely benign based on ACMG/AMP sequence variant interpretation guidelines (Richards et al. 2015 PMID: 25741868, with internal and published modifications).

NM_006031.6(PCNT):c.2874C>T (p.Gly958=)

Gene: PCNT (pericentrin; plus strand). Cytogenetic location: 21q22.3.
Variant type: single nucleotide variant.
Coding change: c.2874C>T on transcript NM_006031.6 (MANE Select); coding-DNA position 2874, C replaced by T.
Protein change: p.Gly958=; no amino-acid change (glycine 958 retained).
Molecular consequence: synonymous variant.
Genome position (GRCh38, 1-based): chr21:46,366,848, C>T. VCF-style: chr21-46366848-C-T. GRCh37 (hg19) VCF-style: chr21-47786763-C-T.
Other names: c.2520C>T, p.Gly840= (NM_001315529.2); c.2874C>T (NM_006031.5).
Identifiers: ClinVar variation 2197674 (VCV002197674.7), dbSNP rs140317880, ClinGen allele CA10079119.